The following is an entry in ClinVar:

ClinVar aggregate classification (germline): Benign/Likely benign. Review status: criteria provided, multiple submitters, no conflicts (2 of 4 stars). 5 submissions from 5 submitters: Benign (3); Likely benign (2). Last evaluated 2026-02-04.

Conditions:
Long QT syndrome (LQTS). Identifiers: MedGen C0023976, MeSH D008133, MONDO:0002442. Disease mechanism: loss of function. Inheritance: Various modes of inheritance.

Allele frequency attached by ClinVar (database versions not stated): gnomAD exomes 0.07599; ExAC 0.07641; 1000 Genomes Project 0.07827; 1000 Genomes Project 30x 0.07979; gnomAD 0.06609 and 0.06821; TOPMed 0.07128; ESP Exome Variant Server 0.07515.
gnomAD v4.1: 116,053 of 1,483,106 alleles (7.8%); highest among the groups gnomAD compares: East Asian, 13%; 4,849 homozygotes.

Submissions (5):

Labcorp Genetics (formerly Invitae), Labcorp
Classification: Benign for Long QT syndrome. Last evaluated: 2026-02-04. Review status: criteria provided, single submitter. Criteria: Invitae Variant Classification Sherloc (09022015). Collection method: clinical testing. Allele origin: germline.

Blueprint Genetics
Classification: Benign. Last evaluated: 2024-11-27. Review status: criteria provided, single submitter. Criteria: ACMG Guidelines, 2015. Collection method: clinical testing. Allele origin: germline.

GeneDx
Classification: Benign. Last evaluated: 2013-07-22. Review status: criteria provided, single submitter. Criteria: GeneDx Variant Classification (06012015). Collection method: clinical testing. Allele origin: germline. Affected: yes.
Comment: This variant is considered likely benign or benign based on one or more of the following criteria: it is a conservative change, it occurs at a poorly conserved position in the protein, it is predicted to be benign by multiple in silico algorithms, and/or has population frequency not consistent with disease.

Breakthrough Genomics
Classification: Likely benign. Review status: criteria provided, single submitter. Criteria: ACMG Guidelines, 2015. Collection method: not provided. Allele origin: germline. Inheritance: Autosomal dominant inheritance. Affected: yes.

PreventionGenetics, part of Exact Sciences
Classification: Likely benign. Review status: criteria provided, single submitter. Criteria: ACMG Guidelines, 2015. Collection method: clinical testing. Allele origin: germline.

NM_000719.7(CACNA1C):c.1114-292C>T

Gene: CACNA1C (calcium voltage-gated channel subunit alpha1 C; plus strand). Cytogenetic location: 12p13.33.
Variant type: single nucleotide variant.
Coding change: c.1114-292C>T on transcript NM_000719.7 (MANE Select); 292 bases into the intron before coding-DNA position 1114, C replaced by T.
Molecular consequence: intron variant.
Genome position (GRCh38, 1-based): chr12:2,504,550, C>T. VCF-style: chr12-2504550-C-T. GRCh37 (hg19) VCF-style: chr12-2613716-C-T.
Other names: c.1217+11C>T (NM_001167624.3, NM_001167623.2, NM_001167625.2 and 1 more transcripts); c.1114-292C>T (NM_199460.4, NM_001129827.2, NM_001129832.2 and 14 more transcripts); c.1105-292C>T (NM_001129844.2).
Identifiers: ClinVar variation 136614 (VCV000136614.12), dbSNP rs2238087, ClinGen allele CA289812.